The following is an entry in ClinVar:

ClinVar aggregate classification (germline): Uncertain significance (1 of 4 stars; one submission).

Allele frequency attached by ClinVar (database versions not stated): gnomAD 0.00003 and 0.00004; TOPMed 0.00004.
gnomAD v4.1: 91 of 1,613,374 alleles (0.0056%); highest among the groups gnomAD compares: Non-Finnish European, 0.0073%; no homozygotes.

Submission:

Labcorp Genetics (formerly Invitae), Labcorp
Classification: Uncertain significance. Last evaluated: 2021-09-21. Review status: criteria provided, single submitter. Criteria: Invitae Variant Classification Sherloc (09022015). Collection method: clinical testing. Allele origin: germline.
Comment: This sequence change replaces cysteine with tryptophan at codon 324 of the ADSSL1 protein (p.Cys324Trp). There is a large physicochemical difference between cysteine and tryptophan. This variant is not present in population databases (ExAC no frequency). This variant has not been reported in the literature in individuals affected with ADSSL1-related conditions. Algorithms developed to predict the effect of missense changes on protein structure and function are either unavailable or do not agree on the potential impact of this missense change (SIFT: "Not Available"; PolyPhen-2: "Probably Damaging"; Align-GVGD: "Not Available"). In summary, the available evidence is currently insufficient to determine the role of this variant in disease. Therefore, it has been classified as a Variant of Uncertain Significance.

NM_152328.5(ADSS1):c.843C>G (p.Cys281Trp)

Gene: ADSS1 (adenylosuccinate synthase 1; plus strand). Cytogenetic location: 14q32.33.
Variant type: single nucleotide variant.
Coding change: c.843C>G on transcript NM_152328.5 (MANE Select); coding-DNA position 843, C replaced by G.
Protein change: p.Cys281Trp; replaces cysteine 281 with tryptophan.
Molecular consequence: missense variant.
Genome position (GRCh38, 1-based): chr14:104,741,897, C>G. VCF-style: chr14-104741897-C-G. GRCh37 (hg19) VCF-style: chr14-105208234-C-G.
Other names: c.228C>G, p.Cys76Trp (NM_001320424.1); c.972C>G, p.Cys324Trp (NM_199165.2); short protein forms C281W, C324W, C76W.
Identifiers: ClinVar variation 1681974 (VCV001681974.3), dbSNP rs1033687494, ClinGen allele CA267336956.